The following is an entry in ClinVar:

ClinVar aggregate classification (germline): Likely pathogenic (1 of 4 stars; one submission).

Conditions:
Troyer syndrome (SPG20). Identifiers: Orphanet 101000, MedGen C0393559, MONDO:0010156, OMIM 275900.

Submission:

Dubai Health Genomic Medicine Center, Dubai Health
Classification: Likely pathogenic for Troyer syndrome. Last evaluated: 2024-10-04. Review status: criteria provided, single submitter. Criteria: ACMG Guidelines, 2015. Collection method: research. Allele origin: germline. Affected: yes.
Comment: PM3(moderate),PP1,PM2,PP3

NM_015087.5(SPART):c.1324G>C (p.Ala442Pro)

Gene: SPART (spartin; minus strand). Cytogenetic location: 13q13.3.
Variant type: single nucleotide variant.
Coding change: c.1324G>C on transcript NM_015087.5 (MANE Select); coding-DNA position 1324, G replaced by C.
Protein change: p.Ala442Pro; replaces alanine 442 with proline.
Molecular consequence: missense variant.
Genome position (GRCh38, 1-based): chr13:36,314,386, C>G on the plus strand (G>C on the coding strand, the complement: SPART is on the minus strand). VCF-style: chr13-36314386-C-G. GRCh37 (hg19) VCF-style: chr13-36888523-C-G.
Other names: c.1324G>C, p.Ala442Pro (NM_001142294.2, NM_001142295.2, NM_001142296.2); short protein forms A442P.
Identifiers: ClinVar variation 3383993 (VCV003383993.1).